The following is an entry in ClinVar:

ClinVar aggregate classification (germline): Uncertain significance. Review status: criteria provided, multiple submitters, no conflicts (2 of 4 stars). 5 submissions from 5 submitters: Uncertain significance (5). Last evaluated 2026-07-02.

Conditions:
Juvenile myelomonocytic leukemia (JMML). Also called: LEUKEMIA, JUVENILE MYELOMONOCYTIC, SOMATIC. Identifiers: Orphanet 86834, MedGen C0349639, MONDO:0011908, OMIM 607785, HP:0012209.
Hereditary cancer-predisposing syndrome. Also called: Neoplastic Syndromes, Hereditary; Tumor predisposition; Hereditary Cancer Syndrome; Hereditary neoplastic syndrome. Identifiers: Orphanet 140162, MedGen C0027672, MeSH D009386, MONDO:0015356.
Cardiovascular phenotype. Identifiers: MedGen CN230736.
Neurofibromatosis, type 1 (NF1). Also called: NEUROFIBROMATOSIS, TYPE I, SOMATIC; Peripheral type neurofibromatosis; Neurofibromatosis, type I; VON RECKLINGHAUSEN DISEASE. Identifiers: Orphanet 636, MedGen C0027831, MONDO:0018975, OMIM 162200. Disease mechanism: loss of function.

Allele frequency attached by ClinVar (database versions not stated): gnomAD 0.00001; TOPMed below 0.00001.
gnomAD v4.1: 1 of 1,613,700 alleles (0.000062%); highest among the groups gnomAD compares: Admixed American, 0.0017%; no homozygotes.

Submissions (5):

Ambry Genetics
Classification: Uncertain significance for Cardiovascular phenotype; Hereditary cancer-predisposing syndrome. Last evaluated: 2026-07-02. Review status: criteria provided, single submitter. Criteria: Ambry Variant Classification Scheme 2023. Collection method: clinical testing. Allele origin: germline.
Comment: The p.S942N variant (also known as c.2825G>A), located in coding exon 21 of the NF1 gene, results from a G to A substitution at nucleotide position 2825. The serine at codon 942 is replaced by asparagine, an amino acid with highly similar properties. This amino acid position is conserved. In addition, this alteration is predicted to be tolerated by in silico analysis. Based on the available evidence, the clinical significance of this variant remains unclear.

Labcorp Genetics (formerly Invitae), Labcorp
Classification: Uncertain significance for Neurofibromatosis, type 1. Last evaluated: 2025-06-04. Review status: criteria provided, single submitter. Criteria: Invitae Variant Classification Sherloc (09022015). Collection method: clinical testing. Allele origin: germline.
Comment: This sequence change replaces serine, which is neutral and polar, with asparagine, which is neutral and polar, at codon 942 of the NF1 protein (p.Ser942Asn). This variant is not present in population databases (gnomAD no frequency). This variant has not been reported in the literature in individuals affected with NF1-related conditions. ClinVar contains an entry for this variant (Variation ID: 1193590). Invitae Evidence Modeling of protein sequence and biophysical properties (such as structural, functional, and spatial information, amino acid conservation, physicochemical variation, residue mobility, and thermodynamic stability) indicates that this missense variant is not expected to disrupt NF1 protein function with a negative predictive value of 95%. In summary, the available evidence is currently insufficient to determine the role of this variant in disease. Therefore, it has been classified as a Variant of Uncertain Significance.

GeneDx
Classification: Uncertain significance. Last evaluated: 2024-08-22. Review status: criteria provided, single submitter. Criteria: GeneDx Variant Classification Process June 2021. Collection method: clinical testing. Allele origin: germline. Affected: yes.
Comment: Has not been previously published as pathogenic or benign to our knowledge; Not observed at significant frequency in large population cohorts (gnomAD); In silico analysis indicates that this missense variant does not alter protein structure/function; This variant is associated with the following publications: (PMID: 25486365, 2121369)

Baylor Genetics
Classification: Uncertain significance for Juvenile myelomonocytic leukemia. Last evaluated: 2023-09-28. Review status: criteria provided, single submitter. Criteria: ACMG Guidelines, 2015. Collection method: clinical testing. Allele origin: unknown.

Genome-Nilou Lab
Classification: Uncertain significance for Neurofibromatosis, type 1. Last evaluated: 2022-03-15. Review status: criteria provided, single submitter. Criteria: ACMG Guidelines, 2015. Collection method: clinical testing. Allele origin: germline. Affected: no.

NM_001042492.3(NF1):c.2825G>A (p.Ser942Asn)

Gene: NF1 (neurofibromin 1; plus strand). Cytogenetic location: 17q11.2.
Variant type: single nucleotide variant.
Coding change: c.2825G>A on transcript NM_001042492.3 (MANE Select); coding-DNA position 2825, G replaced by A.
Protein change: p.Ser942Asn; replaces serine 942 with asparagine.
Molecular consequence: missense variant.
Genome position (GRCh38, 1-based): chr17:31,229,440, G>A. VCF-style: chr17-31229440-G-A. GRCh37 (hg19) VCF-style: chr17-29556458-G-A.
Other names: c.2825G>A, p.Ser942Asn (NM_000267.4); short protein forms S942N.
Identifiers: ClinVar variation 1193590 (VCV001193590.14), dbSNP rs1555614350, ClinGen allele CA398985805.